The following is an entry in ClinVar:

ClinVar aggregate classification (germline): Uncertain significance. Review status: criteria provided, multiple submitters, no conflicts (2 of 4 stars). 8 submissions from 8 submitters: Uncertain significance (6). 2 of the submissions do not count toward it. Last evaluated 2026-06-26.

Conditions:
Mitochondrial complex 2 deficiency, nuclear type 4. Also called: MITOCHONDRIAL COMPLEX II DEFICIENCY, NUCLEAR TYPE 4. Identifiers: MedGen C5543176, MONDO:0030974, OMIM 619224.
SDHB-related disorder. Also called: SDHB-related disorders; SDHB-related condition. Identifiers: MedGen CN239418.
Hereditary pheochromocytoma and paraganglioma. Also called: Hereditary paragangliomas and pheochromocytomas; Hereditary Paraganglioma-Pheochromocytoma Syndromes; Hereditary pheochromocytoma-paraganglioma. Identifiers: Orphanet 29072, MedGen C4274332, MONDO:0017366.
Pheochromocytoma/paraganglioma syndrome 4. Also called: PARAGANGLIOMA, FAMILIAL MALIGNANT; PARAGANGLIOMAS, HEREDITARY EXTRAADRENAL; PHEOCHROMOCYTOMA, FAMILIAL EXTRAADRENAL; Paragangliomas 4; SDHB-Related Hereditary Paraganglioma-Pheochromocytoma Syndrome (Paragangliomas 4); SDHB-Related Hereditary Paraganglioma-Pheochromocytoma Syndrome. Identifiers: Orphanet 29072, MedGen C1861848, MONDO:0007273, OMIM 115310.
Gastrointestinal stromal tumor. Also called: Gastrointestinal stroma tumor; Gastrointestinal stromal tumor, somatic. Identifiers: Orphanet 44890, MedGen C0238198, MeSH D046152, MONDO:0011719, OMIM 606764, HP:0100723.
Pheochromocytoma. Also called: MAX-Related Hereditary Paraganglioma-Pheochromocytoma Syndrome. Identifiers: Orphanet 29072, MedGen C0031511, MONDO:0008233, OMIM 171300, HP:0002666.
Hereditary cancer-predisposing syndrome. Also called: Tumor predisposition; Hereditary neoplastic syndrome; Neoplastic Syndromes, Hereditary; Hereditary Cancer Syndrome. Identifiers: Orphanet 140162, MedGen C0027672, MeSH D009386, MONDO:0015356.

Allele frequency attached by ClinVar (database versions not stated): ExAC 0.00002; gnomAD exomes 0.00001 and 0.00003; TOPMed below 0.00001.
gnomAD v4.1: 15 of 1,614,116 alleles (0.00093%); highest among the groups gnomAD compares: South Asian, 0.013%; no homozygotes.

Submissions (8):

Ambry Genetics
Classification: Uncertain significance for Hereditary cancer-predisposing syndrome. Last evaluated: 2026-06-26. Review status: criteria provided, single submitter. Criteria: Ambry Variant Classification Scheme 2023. Collection method: clinical testing. Allele origin: germline.
Comment: The p.A102T variant (also known as c.304G>A), located in coding exon 4 of the SDHB gene, results from a G to A substitution at nucleotide position 304. The alanine at codon 102 is replaced by threonine, an amino acid with similar properties. This alteration has been reported in the homozygous state in an individual with Leigh syndrome (Kaur P et al. Ann Hum Genet, 2020 Jul;84:345-351). This alteration has also been reported in a breast cancer cohort from India (Mittal A et al. Ecancermedicalscience, 2022 Aug;16:1434). This amino acid position is highly conserved in available vertebrate species. In addition, this alteration is predicted to be deleterious by in silico analysis. Since supporting evidence is limited at this time, the clinical significance of this alteration remains unclear.

PreventionGenetics, part of Exact Sciences
Classification: Uncertain significance for SDHB-related condition. Last evaluated: 2025-12-02. Review status: criteria provided, single submitter. Criteria: ACMG Guidelines, 2015. Collection method: clinical testing. Allele origin: germline.
Comment: The SDHB c.304G>A variant is predicted to result in the amino acid substitution p.Ala102Thr. This variant was reported in the homozygous state in an individual with mitochondrial complex II deficiency (Kaur et al. 2020. PubMed ID: 32124427). This variant was also reported in an individual with breast cancer (Supplementary Table 3, Mittal et al. 2022. PubMed ID: 36200007). This variant is reported in 0.023% of alleles in individuals of South Asian descent in gnomAD and is classified as a variant of uncertain significance in ClinVar (Variation ID: 822717). At this time, the clinical significance of this variant is uncertain due to the absence of conclusive functional and genetic evidence.

Labcorp Genetics (formerly Invitae), Labcorp
Classification: Uncertain significance for Gastrointestinal stromal tumor; Pheochromocytoma/paraganglioma syndrome 4; Pheochromocytoma. Last evaluated: 2025-01-14. Review status: criteria provided, single submitter. Criteria: Invitae Variant Classification Sherloc (09022015). Collection method: clinical testing. Allele origin: germline.
Comment: This sequence change replaces alanine, which is neutral and non-polar, with threonine, which is neutral and polar, at codon 102 of the SDHB protein (p.Ala102Thr). This variant is present in population databases (rs777578399, gnomAD 0.02%). This missense change has been observed in individual(s) with autosomal recessive mitochondrial complex II deficiency (PMID: 32124427). ClinVar contains an entry for this variant (Variation ID: 822717). Invitae Evidence Modeling of protein sequence and biophysical properties (such as structural, functional, and spatial information, amino acid conservation, physicochemical variation, residue mobility, and thermodynamic stability) indicates that this missense variant is expected to disrupt SDHB protein function with a positive predictive value of 80%. In summary, the available evidence is currently insufficient to determine the role of this variant in disease. Therefore, it has been classified as a Variant of Uncertain Significance.

All of Us Research Program, National Institutes of Health
Classification: Uncertain significance for Hereditary pheochromocytoma and paraganglioma. Last evaluated: 2023-06-26. Review status: criteria provided, single submitter. Criteria: ACMG Guidelines, 2015. Collection method: clinical testing. Allele origin: germline. Inheritance: Autosomal dominant inheritance. Observed: 1 variant allele, 1 heterozygote.
Comment: This missense variant replaces alanine with threonine at codon 102 of the SDHB protein. Computational prediction suggests that this variant may have deleterious impact on protein structure and function (internally defined REVEL score threshold >= 0.7, PMID: 27666373). To our knowledge, functional studies have not been reported for this variant. This variant has not been reported in individuals affected with paraganglioma or pheochromocytoma in the literature. This variant has been identified in 7/251406 chromosomes in the general population by the Genome Aggregation Database (gnomAD). The available evidence is insufficient to determine the role of this variant in disease conclusively. Therefore, this variant is classified as a Variant of Uncertain Significance.

This study involves interpretation of variants in research participants for the purpose of population health screening. Participant phenotype was not available at the time of variant classification. Additional details can be found in publication PMID: 35346344, PMCID: PMC8962531

GeneDx
Classification: Uncertain significance. Last evaluated: 2020-07-28. Review status: criteria provided, single submitter. Criteria: GeneDx Variant Classification Process June 2021. Collection method: clinical testing. Allele origin: germline. Affected: yes.
Comment: In silico analysis supports that this missense variant has a deleterious effect on protein structure/function; This variant is associated with the following publications: (PMID: 32124427)

Arcensus
Classification: Uncertain significance for Mitochondrial complex 2 deficiency, nuclear type 4. Last evaluated: 2013-02-01. Review status: criteria provided, single submitter. Criteria: ACMG Guidelines, 2015. Collection method: clinical testing. Allele origin: germline. Affected: yes.

OMIM
Classification: Pathogenic for MITOCHONDRIAL COMPLEX II DEFICIENCY, NUCLEAR TYPE 4. Last evaluated: 2021-03-08. Review status: flagged submission. Collection method: literature only. Allele origin: germline. Not counted in ClinVar's aggregate classification.
ClinVar note: Reason: Claim with insufficient supporting evidence

Kasturba Medical College, Manipal, Kasturba Medical College, Manipal, Manipal Academy of Higher Education, Manipal, India
Classification: Likely pathogenic for Mitochondrial complex 2 deficiency, nuclear type 4. Review status: flagged submission. Criteria: ACMG Guidelines, 2015. Collection method: research. Allele origin: inherited. Affected: yes. Not counted in ClinVar's aggregate classification.
ClinVar note: Reason: Claim with insufficient supporting evidence

Literature cited by the submitters: PubMed 32124427 (cited by 3 submitters); PubMed 36200007 (cited by Ambry Genetics).

NM_003000.3(SDHB):c.304G>A (p.Ala102Thr)

Gene: SDHB (succinate dehydrogenase complex iron sulfur subunit B; minus strand). Cytogenetic location: 1p36.13.
Variant type: single nucleotide variant.
Coding change: c.304G>A on transcript NM_003000.3 (MANE Select); coding-DNA position 304, G replaced by A.
Protein change: p.Ala102Thr; replaces alanine 102 with threonine.
Molecular consequence: missense variant.
Genome position (GRCh38, 1-based): chr1:17,028,719, C>T on the plus strand (G>A on the coding strand, the complement: SDHB is on the minus strand). VCF-style: chr1-17028719-C-T. GRCh37 (hg19) VCF-style: chr1-17355214-C-T.
Other names: short protein forms A102T.
Identifiers: ClinVar variation 822717 (VCV000822717.38), dbSNP rs777578399, ClinGen allele CA089583.